The following is an entry in ClinVar:

NM_000263.4(NAGLU):c.34dup (p.Val12fs)

Genes: NAGLU (N-acetyl-alpha-glucosaminidase; plus strand), LOC130060903 (ATAC-STARR-seq lymphoblastoid silent region 8533; plus strand). Cytogenetic location: 17q21.2.
Variant type: Duplication.
Coding change: c.34dup on transcript NM_000263.4 (MANE Select); coding-DNA position 34, one base duplicated (G; older notation c.34dupG).
Protein change: p.Val12fs; shifts the reading frame from valine 12.
Molecular consequence: frameshift variant.
Genome position (GRCh38, 1-based): chr17:42,536,306, G duplicated; the last of 5 consecutive G bases (chr17:42,536,302-42,536,306); duplicating any one gives the same sequence. VCF-style (leftmost placement, unchanged base first): chr17-42536301-T-TG. GRCh37 (hg19) VCF-style: chr17-40688319-T-TG.
Other names: c.34dup (NM_000263.3); short protein forms V12fs.
Identifiers: ClinVar variation 2165248 (VCV002165248.6), dbSNP rs2510649581, ClinGen allele CA2580093733.
Genomic context (GRCh38, chr17:42,536,301, plus strand): 5'-CTGGCCGTCGCGGGACCCGCAGGACTGAGACCATGGAGGCGGTGGCGGTGGCCGCGGCGG[T>TG]GGGGGTCCTTCTCCTGGCCGGGGCCGGGGGCGCGGCAGGCGACGAGGCCCGGGAGGCGGC-3'

ClinVar aggregate classification (germline): Pathogenic/Likely pathogenic. Review status: criteria provided, multiple submitters, no conflicts (2 of 4 stars). 2 submissions from 2 submitters: Pathogenic (1); Likely pathogenic (1). Last evaluated 2025-10-09.

Conditions:
Charcot-Marie-Tooth disease axonal type 2V. Also called: CHARCOT-MARIE-TOOTH NEUROPATHY, TYPE 2V; CHARCOT-MARIE-TOOTH DISEASE, AXONAL, AUTOSOMAL DOMINANT, TYPE 2V. Identifiers: Orphanet 447964, MedGen C5569050, MONDO:0014665, OMIM 616491.
Mucopolysaccharidosis, MPS-III-B (MPS3B). Also called: N-ACETYL-ALPHA-D-GLUCOSAMINIDASE DEFICIENCY; NAGLU DEFICIENCY; SANFILIPPO SYNDROME B; MPS III B; MUCOPOLYSACCHARIDOSIS, TYPE IIIB; MPS IIIB (Sanfilippo Syndrome Type B). Identifiers: Orphanet 79270, MedGen C0086648, MONDO:0009656, OMIM 252920.

Submissions (2):

Natera, Inc.
Classification: Likely pathogenic for Mucopolysaccharidosis type IIIB. Last evaluated: 2025-10-09. Review status: criteria provided, single submitter. Criteria: Natera Variant Classification Schema (03/2026). Collection method: clinical testing. Allele origin: germline.
Comment: The c.34dup variant in NAGLU is a frameshift variant predicted to shift the reading frame beginning at codon 12 and leads to a stop codon 180 codons downstream. This variant is expected to result in nonsense mediated decay, truncation, or a dysfunctional protein product. This variant is rare in the general population with a frequency below the threshold expected for the associated phenotype(s). Given the available evidence, this variant is classified as Likely Pathogenic.

Labcorp Genetics (formerly Invitae), Labcorp
Classification: Pathogenic for Charcot-Marie-Tooth disease axonal type 2V; Mucopolysaccharidosis, MPS-III-B. Last evaluated: 2024-01-31. Review status: criteria provided, single submitter. Criteria: Invitae Variant Classification Sherloc (09022015). Collection method: clinical testing. Allele origin: germline.
Comment: This sequence change creates a premature translational stop signal (p.Val12Glyfs*180) in the NAGLU gene. It is expected to result in an absent or disrupted protein product. Loss-of-function variants in NAGLU are known to be pathogenic (PMID: 9832037, 10094189, 16151907). This variant is not present in population databases (gnomAD no frequency). This variant has not been reported in the literature in individuals affected with NAGLU-related conditions. ClinVar contains an entry for this variant (Variation ID: 2165248). For these reasons, this variant has been classified as Pathogenic.

Literature cited by the submitters: PubMed 9832037 (cited by Labcorp Genetics (formerly Invitae), Labcorp); PubMed 10094189 (cited by Labcorp Genetics (formerly Invitae), Labcorp); PubMed 16151907 (cited by Labcorp Genetics (formerly Invitae), Labcorp).